The following is an entry in ClinVar:

ClinVar aggregate classification (germline): Conflicting classifications of pathogenicity. Review status: criteria provided, conflicting classifications (1 of 4 stars). 3 submissions from 3 submitters: Uncertain significance (1); Likely benign (2). Last evaluated 2025-05-08.

Conditions:
RAF1-related disorder. Also called: RAF1-related condition; RAF1-related disorders.

Allele frequency attached by ClinVar (database versions not stated): gnomAD exomes below 0.00001 and 0.00002; gnomAD 0.00001; ExAC 0.00002; TOPMed 0.00002.

Submissions (3):

Women's Health and Genetics/Laboratory Corporation of America, LabCorp
Classification: Uncertain significance. Last evaluated: 2025-05-08. Review status: criteria provided, single submitter. Criteria: LabCorp Variant Classification Summary - May 2015. Collection method: clinical testing. Allele origin: germline.
Comment: Variant summary: RAF1 c.*2T>G is located in the untranslated mRNA region downstream of the termination codon. The variant allele was found at a frequency of 5e-06 in 1614092 control chromosomes. The available data on variant occurrences in the general population are insufficient to allow any conclusion about variant significance. To our knowledge, no occurrence of c.*2T>G in individuals affected with Noonan Syndrome and no experimental evidence demonstrating its impact on protein function have been reported. ClinVar contains an entry for this variant (Variation ID: 40629). Based on the evidence outlined above, the variant was classified as uncertain significance.

PreventionGenetics, part of Exact Sciences
Classification: Likely benign for RAF1-related condition. Last evaluated: 2025-03-29. Review status: criteria provided, single submitter. Criteria: ACMG Guidelines, 2015. Collection method: clinical testing. Allele origin: germline.
Comment: This variant is classified as likely benign based on ACMG/AMP sequence variant interpretation guidelines (Richards et al. 2015 PMID: 25741868, with internal and published modifications).

GeneDx
Classification: Likely benign. Last evaluated: 2012-05-14. Review status: criteria provided, single submitter. Criteria: GeneDx Variant Classification (06012015). Collection method: clinical testing. Allele origin: germline. Affected: yes.
Comment: This variant is considered likely benign or benign based on one or more of the following criteria: it is a conservative change, it occurs at a poorly conserved position in the protein, it is predicted to be benign by multiple in silico algorithms, and/or has population frequency not consistent with disease.

NM_002880.4(RAF1):c.*2T>G

Gene: RAF1 (Raf-1 proto-oncogene, serine/threonine kinase; minus strand). Cytogenetic location: 3p25.2.
Variant type: single nucleotide variant.
Coding change: c.*2T>G on transcript NM_002880.4 (MANE Select); 2 bases downstream of the stop codon, T replaced by G.
Molecular consequence: 3 prime UTR variant. On other transcripts: non-coding transcript variant (3).
Genome position (GRCh38, 1-based): chr3:12,584,512, A>C on the plus strand (T>G on the coding strand, the complement: RAF1 is on the minus strand). VCF-style: chr3-12584512-A-C. GRCh37 (hg19) VCF-style: chr3-12626011-A-C.
Other names: c.*2T>G (NM_001354689.3, NM_001354690.3, NM_001354691.3 and 4 more transcripts).
Identifiers: ClinVar variation 40629 (VCV000040629.5), dbSNP rs730880998, ClinGen allele CA297105.
Genomic context (GRCh38, chr3:12,584,512, plus strand): 5'-AAAAGTGGTGCCTGCTGGCTTCTCCTCCTCCCCTGGCAGCCTGAAGACAGGTGCAAAGTC[A>C]ACTAGAAGACAGGCAGCCTCGGGGACGTGGTCAGCGTGCAAGCATTGATATCCTCAGTGT-3'